The following is an entry in ClinVar:

ClinVar aggregate classification (germline): Uncertain significance (1 of 4 stars; one submission).

Submission:

Labcorp Genetics (formerly Invitae), Labcorp
Classification: Uncertain significance. Last evaluated: 2024-10-26. Review status: criteria provided, single submitter. Criteria: Invitae Variant Classification Sherloc (09022015). Collection method: clinical testing. Allele origin: germline.
Comment: This sequence change replaces leucine, which is neutral and non-polar, with proline, which is neutral and non-polar, at codon 730 of the DOCK6 protein (p.Leu730Pro). This variant is not present in population databases (gnomAD no frequency). This variant has not been reported in the literature in individuals affected with DOCK6-related conditions. ClinVar contains an entry for this variant (Variation ID: 2053845). Invitae Evidence Modeling of protein sequence and biophysical properties (such as structural, functional, and spatial information, amino acid conservation, physicochemical variation, residue mobility, and thermodynamic stability) indicates that this missense variant is expected to disrupt DOCK6 protein function with a positive predictive value of 80%. In summary, the available evidence is currently insufficient to determine the role of this variant in disease. Therefore, it has been classified as a Variant of Uncertain Significance.

NM_020812.4(DOCK6):c.2189T>C (p.Leu730Pro)

Gene: DOCK6 (dedicator of cytokinesis 6; minus strand). Cytogenetic location: 19p13.2.
Variant type: single nucleotide variant.
Coding change: c.2189T>C on transcript NM_020812.4 (MANE Select); coding-DNA position 2189, T replaced by C.
Protein change: p.Leu730Pro; replaces leucine 730 with proline.
Molecular consequence: missense variant.
Genome position (GRCh38, 1-based): chr19:11,236,549, A>G on the plus strand (T>C on the coding strand, the complement: DOCK6 is on the minus strand). VCF-style: chr19-11236549-A-G. GRCh37 (hg19) VCF-style: chr19-11347225-A-G.
Other names: c.2189T>C, p.Leu730Pro (NM_001367830.1); short protein forms L730P.
Identifiers: ClinVar variation 2053845 (VCV002053845.4), dbSNP rs2513115971, ClinGen allele CA404098262.